The following is an entry in ClinVar:

NM_005732.4(RAD50):c.1244T>C (p.Met415Thr)

Gene: RAD50 (RAD50 double strand break repair protein; plus strand). Cytogenetic location: 5q31.1.
Variant type: single nucleotide variant.
Coding change: c.1244T>C on transcript NM_005732.4 (MANE Select); coding-DNA position 1244, T replaced by C.
Protein change: p.Met415Thr; replaces methionine 415 with threonine.
Molecular consequence: missense variant.
Genome position (GRCh38, 1-based): chr5:132,588,879, T>C. VCF-style: chr5-132588879-T-C. GRCh37 (hg19) VCF-style: chr5-131924571-T-C.
Other names: short protein forms M415T.
Identifiers: ClinVar variation 1714121 (VCV001714121.7), dbSNP rs2479635039, ClinGen allele CA360943085.

ClinVar aggregate classification (germline): Uncertain significance. Review status: criteria provided, multiple submitters, no conflicts (2 of 4 stars). 2 submissions from 2 submitters: Uncertain significance (2). Last evaluated 2024-04-24.

Conditions:
Hereditary cancer-predisposing syndrome. Also called: Neoplastic Syndromes, Hereditary; Tumor predisposition; Hereditary Cancer Syndrome; Hereditary neoplastic syndrome. Identifiers: Orphanet 140162, MedGen C0027672, MeSH D009386, MONDO:0015356.
Nijmegen breakage syndrome-like disorder (NBSLD). Also called: MICROCEPHALY AND SPONTANEOUS CHROMOSOME INSTABILITY WITHOUT IMMUNODEFICIENCY; NBS-LIKE DISORDER; RAD50 DEFICIENCY. Identifiers: Orphanet 240760, MedGen C2751318, MONDO:0013118, OMIM 613078.

gnomAD v4.1: 1 of 1,608,406 alleles (0.000062%); no homozygotes.

Submissions (2):

Fulgent Genetics
Classification: Uncertain significance for Nijmegen breakage syndrome-like disorder. Last evaluated: 2024-04-24. Review status: criteria provided, single submitter. Criteria: ACMG Guidelines, 2015. Collection method: clinical testing. Allele origin: germline.

Labcorp Genetics (formerly Invitae), Labcorp
Classification: Uncertain significance for Hereditary cancer-predisposing syndrome. Last evaluated: 2023-08-08. Review status: criteria provided, single submitter. Criteria: Invitae Variant Classification Sherloc (09022015). Collection method: clinical testing. Allele origin: germline.
Comment: In summary, the available evidence is currently insufficient to determine the role of this variant in disease. Therefore, it has been classified as a Variant of Uncertain Significance. An algorithm developed to predict the effect of missense changes on protein structure and function (PolyPhen-2) suggests that this variant is likely to be tolerated. ClinVar contains an entry for this variant (Variation ID: 1714121). This variant has not been reported in the literature in individuals affected with RAD50-related conditions. This variant is not present in population databases (gnomAD no frequency). This sequence change replaces methionine, which is neutral and non-polar, with threonine, which is neutral and polar, at codon 415 of the RAD50 protein (p.Met415Thr).